The following is an entry in ClinVar:

ClinVar aggregate classification (germline): Benign. Review status: criteria provided, multiple submitters, no conflicts (2 of 4 stars). 4 submissions from 4 submitters: Benign (4). Last evaluated 2026-02-04.

Allele frequency attached by ClinVar (database versions not stated): gnomAD exomes 0.00354 and 0.00662; 1000 Genomes Project 0.01577; ESP Exome Variant Server 0.01602; 1000 Genomes Project 30x 0.01671; gnomAD 0.01724 and 0.01836; ExAC 0.01726; TOPMed 0.01869.
gnomAD v4.1: 7,500 of 1,490,270 alleles (0.5%); highest among the groups gnomAD compares: African/African-American, 5.4%; 104 homozygotes.

Submissions (4):

Labcorp Genetics (formerly Invitae), Labcorp
Classification: Benign. Last evaluated: 2026-02-04. Review status: criteria provided, single submitter. Criteria: Invitae Variant Classification Sherloc (09022015). Collection method: clinical testing. Allele origin: germline.

GeneDx
Classification: Benign. Last evaluated: 2016-11-21. Review status: criteria provided, single submitter. Criteria: GeneDx Variant Classification (06012015). Collection method: clinical testing. Allele origin: germline. Affected: yes.
Comment: This variant is considered likely benign or benign based on one or more of the following criteria: it is a conservative change, it occurs at a poorly conserved position in the protein, it is predicted to be benign by multiple in silico algorithms, and/or has population frequency not consistent with disease.

Laboratory for Molecular Medicine, Mass General Brigham Personalized Medicine
Classification: Benign. Last evaluated: 2013-02-21. Review status: criteria provided, single submitter. Criteria: LMM Criteria. Collection method: clinical testing. Allele origin: germline. Observed: 3 variant alleles.
Comment: 4567+8C>T in intron 31 of LTBP4: This variant is not expected to have clinical s ignificance because it is not located within the conserved splice consensus sequ ence. It has been identified in 4.5% (189/4172) of African American chromosomes from a broad population by the NHLBI Exome Sequencing Project (dbSNP rs80192963).

Breakthrough Genomics
Classification: Benign. Review status: criteria provided, single submitter. Criteria: ACMG Guidelines, 2015. Collection method: not provided. Allele origin: germline. Inheritance: Autosomal recessive inheritance. Affected: yes.

NM_003573.2(LTBP4):c.4456+8C>T

Gene: LTBP4 (latent transforming growth factor beta binding protein 4; plus strand). Cytogenetic location: 19q13.2.
Variant type: single nucleotide variant.
Coding change: c.4456+8C>T on transcript NM_003573.2; 8 bases into the intron after coding-DNA position 4456, C replaced by T.
Molecular consequence: intron variant.
Genome position (GRCh38, 1-based): chr19:40,627,363, C>T. VCF-style: chr19-40627363-C-T. GRCh37 (hg19) VCF-style: chr19-41133268-C-T.
Other names: c.4567+8C>T (NM_001042544.1); c.4366+8C>T (NM_001042545.2).
Identifiers: ClinVar variation 226723 (VCV000226723.13), dbSNP rs80192963, ClinGen allele CA9449285.
Genomic context (GRCh38, chr19:40,627,363, plus strand): 5'-CCGCCGCTCCTTCCCAGAGCCCGAGGAGCCTCCTGAAGGTGGAAGCTATGCTGGTGAGCA[C>T]TGCCAGCGCATGATGAGACTGAGATGAGGGGTGAGGTGTGCACGGAGAGAGGAGGGAGGG-3'